The following is an entry in ClinVar:

NM_001197104.2(KMT2A):c.10792A>C (p.Ser3598Arg)

Gene: KMT2A (lysine methyltransferase 2A; plus strand). Cytogenetic location: 11q23.3.
Variant type: single nucleotide variant.
Coding change: c.10792A>C on transcript NM_001197104.2 (MANE Select); coding-DNA position 10792, A replaced by C.
Protein change: p.Ser3598Arg; replaces serine 3598 with arginine.
Molecular consequence: missense variant.
Genome position (GRCh38, 1-based): chr11:118,507,566, A>C. VCF-style: chr11-118507566-A-C. GRCh37 (hg19) VCF-style: chr11-118378281-A-C.
Other names: c.10882A>C, p.Ser3628Arg (NM_001412597.1); c.10783A>C, p.Ser3595Arg (NM_005933.4); short protein forms S3595R, S3598R, S3628R.
Identifiers: ClinVar variation 3670345 (VCV003670345.6).

ClinVar aggregate classification (germline): Uncertain significance. Review status: criteria provided, multiple submitters, no conflicts (2 of 4 stars). 2 submissions from 2 submitters: Uncertain significance (2). Last evaluated 2026-01-01.

Submissions (2):

CeGaT Center for Human Genetics Tuebingen
Classification: Uncertain significance. Last evaluated: 2026-01-01. Review status: criteria provided, single submitter. Criteria: CeGaT Center For Human Genetics Tuebingen Variant Classification Criteria Version 2. Collection method: clinical testing. Allele origin: germline. Affected: yes. Observed: 1 variant allele.
Comment: KMT2A: PM2, BP4

Labcorp Genetics (formerly Invitae), Labcorp
Classification: Uncertain significance. Last evaluated: 2024-03-22. Review status: criteria provided, single submitter. Criteria: Invitae Variant Classification Sherloc (09022015). Collection method: clinical testing. Allele origin: germline.
Comment: This sequence change replaces serine, which is neutral and polar, with arginine, which is basic and polar, at codon 3598 of the KMT2A protein (p.Ser3598Arg). This variant is not present in population databases (gnomAD no frequency). This variant has not been reported in the literature in individuals affected with KMT2A-related conditions. Advanced modeling of protein sequence and biophysical properties (such as structural, functional, and spatial information, amino acid conservation, physicochemical variation, residue mobility, and thermodynamic stability) performed at Invitae indicates that this missense variant is not expected to disrupt KMT2A protein function with a negative predictive value of 95%. In summary, the available evidence is currently insufficient to determine the role of this variant in disease. Therefore, it has been classified as a Variant of Uncertain Significance.